The following is an entry in ClinVar:

NM_001101.5(ACTB):c.123+3A>G

Gene: ACTB (actin beta; minus strand). Cytogenetic location: 7p22.1.
Variant type: single nucleotide variant.
Coding change: c.123+3A>G on transcript NM_001101.5 (MANE Select); 3 bases into the intron after coding-DNA position 123, A replaced by G.
Molecular consequence: intron variant.
Genome position (GRCh38, 1-based): chr7:5,529,532, T>C on the plus strand (A>G on the coding strand, the complement: ACTB is on the minus strand). VCF-style: chr7-5529532-T-C. GRCh37 (hg19) VCF-style: chr7-5569163-T-C.
Identifiers: ClinVar variation 1062959 (VCV001062959.7), dbSNP rs878963559, ClinGen allele CA572821979.
Genomic context (GRCh38, chr7:5,529,532, plus strand): 5'-CAGAGAAAGCGCCCTTGCCTCCCGCCCGCTCCCGGGGCTGCCCCACCCAGCCAGCTCCCC[T>C]ACCTGGTGCCTGGGGCGCCCCACGATGGAGGGGAAGACGGCCCGGGGGGCATCGTCGCCC-3'

ClinVar aggregate classification (germline): Uncertain significance (1 of 4 stars; one submission).

Conditions:
Baraitser-Winter syndrome 1 (BRWS1). Also called: MENTAL RETARDATION WITH EPILEPSY AND CHARACTERISTIC FACIES; BARAITSER-WINTER SYNDROME 1, ATYPICAL; Cerebrofrontofacial syndrome; PACHYGYRIA, MENTAL RETARDATION, EPILEPSY, AND CHARACTERISTIC FACIES. Identifiers: Orphanet 2649, Orphanet 2995, MedGen C1855722, MONDO:0009470, OMIM 243310.

Allele frequency attached by ClinVar (database versions not stated): gnomAD exomes below 0.00001; gnomAD 0.00001.
gnomAD v4.1: 2 of 1,610,704 alleles (0.00012%); highest among the groups gnomAD compares: Non-Finnish European, 0.00017%; no homozygotes.

Submission:

Labcorp Genetics (formerly Invitae), Labcorp
Classification: Uncertain significance for Baraitser-Winter syndrome 1. Last evaluated: 2020-09-21. Review status: criteria provided, single submitter. Criteria: Invitae Variant Classification Sherloc (09022015). Collection method: clinical testing. Allele origin: germline.
Comment: In summary, the available evidence is currently insufficient to determine the role of this variant in disease. Therefore, it has been classified as a Variant of Uncertain Significance. Nucleotide substitutions within the consensus splice site are a relatively common cause of aberrant splicing (PMID: 17576681, 9536098). Algorithms developed to predict the effect of sequence changes on RNA splicing suggest that this variant may disrupt the consensus splice site, but this prediction has not been confirmed by published transcriptional studies. This variant has not been reported in the literature in individuals with ACTB-related conditions. This variant is not present in population databases (ExAC no frequency). This sequence change falls in intron 2 of the ACTB gene. It does not directly change the encoded amino acid sequence of the ACTB protein, but it affects a nucleotide within the consensus splice site of the intron.

Literature cited by the submitters: PubMed 17576681; PubMed 9536098.